The following is an entry in ClinVar:

NM_001903.5(CTNNA1):c.1726A>G (p.Thr576Ala)

Gene: CTNNA1 (catenin alpha 1; plus strand). Cytogenetic location: 5q31.2.
Variant type: single nucleotide variant.
Coding change: c.1726A>G on transcript NM_001903.5 (MANE Select); coding-DNA position 1726, A replaced by G.
Protein change: p.Thr576Ala; replaces threonine 576 with alanine.
Molecular consequence: missense variant.
Genome position (GRCh38, 1-based): chr5:138,924,689, A>G. VCF-style: chr5-138924689-A-G. GRCh37 (hg19) VCF-style: chr5-138260378-A-G.
Other names: c.1726A>G, p.Thr576Ala (NM_001290307.3, NM_001323982.2, NM_001323983.1 and 2 more transcripts); c.1417A>G, p.Thr473Ala (NM_001290309.3); c.1357A>G, p.Thr453Ala (NM_001290310.3); c.616A>G, p.Thr206Ala (NM_001290312.1, NM_001323987.1, NM_001323988.1 and 17 more transcripts); c.1633A>G, p.Thr545Ala (NM_001323986.2); c.277A>G, p.Thr93Ala (NM_001324006.1, NM_001324007.1, NM_001324008.1 and 2 more transcripts); c.523A>G, p.Thr175Ala (NM_001324011.1); c.373A>G, p.Thr125Ala (NM_001324012.1, NM_001324013.1); short protein forms T576A, T175A, T206A, T125A, T453A, T473A, T93A, T545A.
Identifiers: ClinVar variation 662755 (VCV000662755.17), dbSNP rs1580855958, ClinGen allele CA361132061.

ClinVar aggregate classification (germline): Uncertain significance. Review status: criteria provided, multiple submitters, no conflicts (2 of 4 stars). 3 submissions from 3 submitters: Uncertain significance (3). Last evaluated 2025-12-28.

Conditions:
Patterned macular dystrophy 2. Identifiers: Orphanet 99001, MedGen C1837029, MONDO:0012162, OMIM 608970.
Hereditary cancer-predisposing syndrome. Also called: Neoplastic Syndromes, Hereditary; Tumor predisposition; Hereditary neoplastic syndrome; Hereditary Cancer Syndrome. Identifiers: Orphanet 140162, MedGen C0027672, MeSH D009386, MONDO:0015356.

Allele frequency attached by ClinVar (database versions not stated): TOPMed below 0.00001.
gnomAD v4.1: 3 of 1,584,284 alleles (0.00019%); highest among the groups gnomAD compares: Non-Finnish European, 0.00026%; no homozygotes.

Submissions (3):

Labcorp Genetics (formerly Invitae), Labcorp
Classification: Uncertain significance. Last evaluated: 2025-12-28. Review status: criteria provided, single submitter. Criteria: Invitae Variant Classification Sherloc (09022015). Collection method: clinical testing. Allele origin: germline.
Comment: This sequence change replaces threonine, which is neutral and polar, with alanine, which is neutral and non-polar, at codon 576 of the CTNNA1 protein (p.Thr576Ala). This variant is not present in population databases (gnomAD no frequency). This variant has not been reported in the literature in individuals affected with CTNNA1-related conditions. ClinVar contains an entry for this variant (Variation ID: 662755). Invitae Evidence Modeling of protein sequence and biophysical properties (such as structural, functional, and spatial information, amino acid conservation, physicochemical variation, residue mobility, and thermodynamic stability) indicates that this missense variant is not expected to disrupt CTNNA1 protein function with a negative predictive value of 80%. In summary, the available evidence is currently insufficient to determine the role of this variant in disease. Therefore, it has been classified as a Variant of Uncertain Significance.

Ambry Genetics
Classification: Uncertain significance for Hereditary cancer-predisposing syndrome. Last evaluated: 2025-09-22. Review status: criteria provided, single submitter. Criteria: Ambry Variant Classification Scheme 2023. Collection method: clinical testing. Allele origin: germline.
Comment: The p.T576A variant (also known as c.1726A>G), located in coding exon 11 of the CTNNA1 gene, results from an A to G substitution at nucleotide position 1726. The threonine at codon 576 is replaced by alanine, an amino acid with similar properties. This amino acid position is highly conserved in available vertebrate species. In addition, this alteration is predicted to be tolerated by in silico analysis. Based on the available evidence, the clinical significance of this variant remains unclear.

GeneDx
Classification: Uncertain significance. Last evaluated: 2025-07-16. Review status: criteria provided, single submitter. Criteria: GeneDx Variant Classification Process June 2021. Collection method: clinical testing. Allele origin: germline. Affected: yes.
Comment: Not observed at significant frequency in large population cohorts (gnomAD); In silico analysis suggests that this missense variant does not alter protein structure/function; This variant is associated with the following publications: (PMID: 32051609, 40425247)